The following is an entry in ClinVar:

NC_000009.12:g.(?_35076714)_(35077111_?)del

Gene: FANCG (FA complementation group G; minus strand). Cytogenetic location: 9p13.3.
Variant type: Deletion.
Identifiers: ClinVar variation 833060 (VCV000833060.5).

ClinVar aggregate classification (germline): Pathogenic (1 of 4 stars; one submission).

Conditions:
Fanconi anemia (FA). Also called: Fanconi's anemia. Identifiers: Orphanet 84, MedGen C0015625, MeSH D005199, MONDO:0019391.

Submission:

Labcorp Genetics (formerly Invitae), Labcorp
Classification: Pathogenic for Fanconi anemia. Last evaluated: 2019-12-13. Review status: criteria provided, single submitter. Criteria: Invitae Variant Classification Sherloc (09022015). Collection method: clinical testing. Allele origin: germline.
Comment: For these reasons, this variant has been classified as Pathogenic. Loss-of-function variants in FANCG are known to be pathogenic (PMID: 12552564). This variant has not been reported in the literature in individuals with FANCG-related conditions. This variant is an out-of-frame deletion of the genomic region encompassing exon 6-7 of the FANCG gene. This is expected to create a premature translational stop signal and result in an absent or disrupted protein product.

Literature cited by the submitters: PubMed 12552564.